The following is an entry in ClinVar:

NM_000059.4(BRCA2):c.8546A>C (p.Lys2849Thr)

Gene: BRCA2 (BRCA2 DNA repair associated; plus strand). Cytogenetic location: 13q13.1.
Variant type: single nucleotide variant.
Coding change: c.8546A>C on transcript NM_000059.4 (MANE Select); coding-DNA position 8546, A replaced by C.
Protein change: p.Lys2849Thr; replaces lysine 2849 with threonine.
Molecular consequence: missense variant. On other transcripts: non-coding transcript variant (1).
Genome position (GRCh38, 1-based): chr13:32,371,014, A>C. VCF-style: chr13-32371014-A-C. GRCh37 (hg19) VCF-style: chr13-32945151-A-C.
Other names: c.8450A>C, p.Lys2817Thr (NM_001406719.1); c.8546A>C, p.Lys2849Thr (NM_001406720.1); c.3614A>C, p.Lys1205Thr (NM_001406721.1); c.2129A>C, p.Lys710Thr (NM_001406722.1); short protein forms K1205T, K2849T, K2817T, K710T.
Identifiers: ClinVar variation 2996710 (VCV002996710.3), dbSNP rs2137600260, ClinGen allele CA387752768.

ClinVar aggregate classification (germline): Uncertain significance (1 of 4 stars; one submission).

Conditions:
Hereditary breast ovarian cancer syndrome. Also called: BRCA1- and BRCA2-Associated Hereditary Breast and Ovarian Cancer; Hereditary breast and ovarian cancer syndrome; Hereditary breast and/or ovarian cancer syndrome; Hereditary breast and ovarian cancer; Hereditary breast and ovarian cancer syndrome (HBOC); Breast and ovarian cancer. Identifiers: Orphanet 145, MedGen C0677776, MeSH D061325, MONDO:0003582. Disease mechanism: loss of function.

Submission:

Labcorp Genetics (formerly Invitae), Labcorp
Classification: Uncertain significance for Hereditary breast ovarian cancer syndrome. Last evaluated: 2024-01-09. Review status: criteria provided, single submitter. Criteria: Invitae Variant Classification Sherloc (09022015). Collection method: clinical testing. Allele origin: germline.
Comment: This sequence change replaces lysine, which is basic and polar, with threonine, which is neutral and polar, at codon 2849 of the BRCA2 protein (p.Lys2849Thr). This variant is not present in population databases (gnomAD no frequency). This variant has not been reported in the literature in individuals affected with BRCA2-related conditions. Advanced modeling of protein sequence and biophysical properties (such as structural, functional, and spatial information, amino acid conservation, physicochemical variation, residue mobility, and thermodynamic stability) performed at Invitae indicates that this missense variant is not expected to disrupt BRCA2 protein function with a negative predictive value of 95%. In summary, the available evidence is currently insufficient to determine the role of this variant in disease. Therefore, it has been classified as a Variant of Uncertain Significance.